The following is an entry in ClinVar:

ClinVar aggregate classification (germline): Uncertain significance (1 of 4 stars; one submission).

Allele frequency attached by ClinVar (database versions not stated): gnomAD 0.00001; TOPMed 0.00001; ExAC 0.00002; gnomAD exomes 0.00002; 1000 Genomes Project 30x 0.00016.
gnomAD v4.1: 34 of 1,613,840 alleles (0.0021%); highest among the groups gnomAD compares: South Asian, 0.0077%; 1 homozygote.

Submission:

Labcorp Genetics (formerly Invitae), Labcorp
Classification: Uncertain significance. Last evaluated: 2024-06-21. Review status: criteria provided, single submitter. Criteria: Invitae Variant Classification Sherloc (09022015). Collection method: clinical testing. Allele origin: germline.
Comment: This sequence change replaces arginine, which is basic and polar, with histidine, which is basic and polar, at codon 219 of the GNB3 protein (p.Arg219His). This variant is present in population databases (rs782505727, gnomAD 0.004%). This variant has not been reported in the literature in individuals affected with GNB3-related conditions. ClinVar contains an entry for this variant (Variation ID: 1418031). Advanced modeling of protein sequence and biophysical properties (such as structural, functional, and spatial information, amino acid conservation, physicochemical variation, residue mobility, and thermodynamic stability) performed at Invitae indicates that this missense variant is not expected to disrupt GNB3 protein function with a negative predictive value of 80%. In summary, the available evidence is currently insufficient to determine the role of this variant in disease. Therefore, it has been classified as a Variant of Uncertain Significance.

NM_002075.4(GNB3):c.656G>A (p.Arg219His)

Gene: GNB3 (G protein subunit beta 3; plus strand). Cytogenetic location: 12p13.31.
Variant type: single nucleotide variant.
Coding change: c.656G>A on transcript NM_002075.4 (MANE Select); coding-DNA position 656, G replaced by A.
Protein change: p.Arg219His; replaces arginine 219 with histidine.
Molecular consequence: missense variant.
Genome position (GRCh38, 1-based): chr12:6,843,935, G>A. VCF-style: chr12-6843935-G-A. GRCh37 (hg19) VCF-style: chr12-6953099-G-A.
Other names: c.653G>A, p.Arg218His (NM_001297571.2); short protein forms R218H, R219H.
Identifiers: ClinVar variation 1418031 (VCV001418031.6), dbSNP rs782505727, ClinGen allele CA6417610.